The following is an entry in ClinVar:

ClinVar aggregate classification (germline): Uncertain significance (1 of 4 stars; one submission).

Conditions:
Emery-Dreifuss muscular dystrophy 4, autosomal dominant (EDMD4). Also called: EMERY-DREIFUSS MUSCULAR DYSTROPHY 4 WITH VARIABLE FEATURES. Identifiers: Orphanet 261, MedGen C2751807, MONDO:0013071, OMIM 612998.
Autosomal recessive ataxia, Beauce type. Also called: Spinocerebellar ataxia, autosomal recessive 8; ATAXIA, RECESSIVE, OF BEAUCE; SYNE1-Related Autosomal Recessive Cerebellar Ataxia; SYNE1 Deficiency. Identifiers: Orphanet 88644, MedGen C1853116, MONDO:0012549, OMIM 610743.

Allele frequency attached by ClinVar (database versions not stated): ExAC 0.00001; gnomAD 0.00003; TOPMed 0.00003.
gnomAD v4.1: 19 of 1,614,030 alleles (0.0012%); highest among the groups gnomAD compares: African/African-American, 0.0067%; no homozygotes.

Submission:

Labcorp Genetics (formerly Invitae), Labcorp
Classification: Uncertain significance for Emery-Dreifuss muscular dystrophy 4, autosomal dominant; Autosomal recessive ataxia, Beauce type. Last evaluated: 2022-04-01. Review status: criteria provided, single submitter. Criteria: Invitae Variant Classification Sherloc (09022015). Collection method: clinical testing. Allele origin: germline.
Comment: In summary, the available evidence is currently insufficient to determine the role of this variant in disease. Therefore, it has been classified as a Variant of Uncertain Significance. Algorithms developed to predict the effect of missense changes on protein structure and function are either unavailable or do not agree on the potential impact of this missense change (SIFT: "Deleterious"; PolyPhen-2: "Probably Damaging"; Align-GVGD: "Class C15"). This variant has not been reported in the literature in individuals affected with SYNE1-related conditions. This variant is present in population databases (rs774701564, gnomAD 0.007%). This sequence change replaces threonine, which is neutral and polar, with methionine, which is neutral and non-polar, at codon 2947 of the SYNE1 protein (p.Thr2947Met).

NM_182961.4(SYNE1):c.8819C>T (p.Thr2940Met)

Genes: SYNE1-AS1 (SYNE1 antisense RNA 1; plus strand), SYNE1 (spectrin repeat containing nuclear envelope protein 1; minus strand). Cytogenetic location: 6q25.2.
Variant type: single nucleotide variant.
Coding change: c.8819C>T on transcript NM_182961.4 (MANE Select); coding-DNA position 8819, C replaced by T.
Protein change: p.Thr2940Met; replaces threonine 2940 with methionine.
Molecular consequence: missense variant. On other transcripts: non-coding transcript variant (1).
Genome position (GRCh38, 1-based): chr6:152,381,196, G>A on the plus strand (C>T on the coding strand, the complement: SYNE1 is on the minus strand). VCF-style: chr6-152381196-G-A. GRCh37 (hg19) VCF-style: chr6-152702331-G-A.
Other names: c.8840C>T, p.Thr2947Met (NM_033071.5); short protein forms T2940M, T2947M.
Identifiers: ClinVar variation 2195870 (VCV002195870.4), dbSNP rs774701564, ClinGen allele CA4057453.